The following is an entry in ClinVar:

ClinVar aggregate classification (germline): Uncertain significance (1 of 4 stars; one submission).

Allele frequency attached by ClinVar (database versions not stated): gnomAD exomes below 0.00001; ExAC 0.00001.
gnomAD v4.1: 2 of 1,614,070 alleles (0.00012%); highest among the groups gnomAD compares: South Asian, 0.0022%; no homozygotes.

Submission:

Ambry Genetics
Classification: Uncertain significance. Last evaluated: 2021-09-20. Review status: criteria provided, single submitter. Criteria: Ambry Variant Classification Scheme 2023. Collection method: clinical testing. Allele origin: germline.
Comment: The p.T56S variant (also known as c.167C>G), located in coding exon 1 of the BUB3 gene, results from a C to G substitution at nucleotide position 167. The threonine at codon 56 is replaced by serine, an amino acid with similar properties. This amino acid position is conserved. In addition, this alteration is predicted to be tolerated by in silico analysis. Since supporting evidence is limited at this time, the clinical significance of this alteration remains unclear.

NM_004725.4(BUB3):c.167C>G (p.Thr56Ser)

Gene: BUB3 (BUB3 mitotic checkpoint protein; plus strand). Cytogenetic location: 10q26.13.
Variant type: single nucleotide variant.
Coding change: c.167C>G on transcript NM_004725.4 (MANE Select); coding-DNA position 167, C replaced by G.
Protein change: p.Thr56Ser; replaces threonine 56 with serine.
Molecular consequence: missense variant.
Genome position (GRCh38, 1-based): chr10:123,155,084, C>G. VCF-style: chr10-123155084-C-G. GRCh37 (hg19) VCF-style: chr10-124914600-C-G.
Other names: c.167C>G, p.Thr56Ser (NM_001007793.3); short protein forms T56S.
Identifiers: ClinVar variation 1777865 (VCV001777865.2), dbSNP rs768512648, ClinGen allele CA5731506.